The following is an entry in ClinVar:

ClinVar aggregate classification (germline): Likely pathogenic (1 of 4 stars; one submission).

gnomAD v4.1: 1 of 1,613,966 alleles (0.000062%); highest among the groups gnomAD compares: Non-Finnish European, 0.000085%; no homozygotes.

Submission:

Mayo Clinic Laboratories, Mayo Clinic
Classification: Likely pathogenic. Last evaluated: 2025-07-21. Review status: criteria provided, single submitter. Criteria: ACMG Guidelines, 2015. Collection method: clinical testing. Allele origin: germline. Observed: 1 variant allele.
Comment: PP2, PP3, PM2_supporting, PS4

Literature cited by the submitters: PubMed 26963950; PubMed 32347971.

NM_000388.4(CASR):c.419C>T (p.Ala140Val)

Gene: CASR (calcium sensing receptor; plus strand). Cytogenetic location: 3q21.1.
Variant type: single nucleotide variant.
Coding change: c.419C>T on transcript NM_000388.4 (MANE Select); coding-DNA position 419, C replaced by T.
Protein change: p.Ala140Val; replaces alanine 140 with valine.
Molecular consequence: missense variant.
Genome position (GRCh38, 1-based): chr3:122,257,314, C>T. VCF-style: chr3-122257314-C-T. GRCh37 (hg19) VCF-style: chr3-121976161-C-T.
Other names: p.Ala140Val; c.419C>T, p.Ala140Val (NM_001178065.2); short protein forms A140V.
Identifiers: ClinVar variation 4540911 (VCV004540911.1).
Genomic context (GRCh38, chr3:122,257,314, plus strand): 5'-TTGATTCTTTGAACCTTGATGAGTTCTGCAACTGCTCAGAGCACATTCCCTCTACGATTG[C>T]TGTGGTGGGAGCAACTGGCTCAGGCGTCTCCACGGCAGTGGCAAATCTGCTGGGGCTCTT-3'
Protein context (NP_000379.3, residues 130-150): NCSEHIPSTI[Ala140Val]VVGATGSGVS